The following is an entry in ClinVar:

ClinVar aggregate classification (germline): Uncertain significance (1 of 4 stars; one submission).

Conditions:
Inborn genetic diseases. Identifiers: MedGen C0950123, MeSH D030342.

Allele frequency attached by ClinVar (database versions not stated): TOPMed below 0.00001.

Submission:

Ambry Genetics
Classification: Uncertain significance for Inborn genetic diseases. Last evaluated: 2021-06-15. Review status: criteria provided, single submitter. Criteria: Ambry Variant Classification Scheme 2023. Collection method: clinical testing. Allele origin: germline.
Comment: The p.S627F variant (also known as c.1880C>T), located in coding exon 15 of the BUB1B gene, results from a C to T substitution at nucleotide position 1880. The serine at codon 627 is replaced by phenylalanine, an amino acid with highly dissimilar properties. This amino acid position is conserved. In addition, this alteration is predicted to be tolerated by in silico analysis. Since supporting evidence is limited at this time, the clinical significance of this alteration remains unclear.

NM_001211.6(BUB1B):c.1880C>T (p.Ser627Phe)

Gene: BUB1B (BUB1 mitotic checkpoint serine/threonine kinase B; plus strand). Cytogenetic location: 15q15.1.
Variant type: single nucleotide variant.
Coding change: c.1880C>T on transcript NM_001211.6 (MANE Select); coding-DNA position 1880, C replaced by T.
Protein change: p.Ser627Phe; replaces serine 627 with phenylalanine.
Molecular consequence: missense variant.
Genome position (GRCh38, 1-based): chr15:40,206,329, C>T. VCF-style: chr15-40206329-C-T. GRCh37 (hg19) VCF-style: chr15-40498530-C-T.
Other names: short protein forms S627F.
Identifiers: ClinVar variation 1781885 (VCV001781885.2), dbSNP rs2037636190, ClinGen allele CA391692598.